The following is an entry in ClinVar:

ClinVar aggregate classification (germline): Likely benign (1 of 4 stars; one submission).

Allele frequency attached by ClinVar (database versions not stated): ExAC 0.00015; ESP Exome Variant Server 0.00015; 1000 Genomes Project 30x 0.00016; 1000 Genomes Project 0.00020; gnomAD 0.00054.
gnomAD v4.1: 644 of 1,613,936 alleles (0.04%); highest among the groups gnomAD compares: Admixed American, 0.12%; 2 homozygotes.

Submission:

CeGaT Center for Human Genetics Tuebingen
Classification: Likely benign. Last evaluated: 2022-12-01. Review status: criteria provided, single submitter. Criteria: CeGaT Center For Human Genetics Tuebingen Variant Classification Criteria Version 2. Collection method: clinical testing. Allele origin: germline. Affected: yes. Observed: 1 variant allele.
Comment: CATSPER1: BP4, BP7

NM_053054.4(CATSPER1):c.396C>T (p.Tyr132=)

Gene: CATSPER1 (cation channel sperm associated 1; minus strand). Cytogenetic location: 11q13.1.
Variant type: single nucleotide variant.
Coding change: c.396C>T on transcript NM_053054.4 (MANE Select); coding-DNA position 396, C replaced by T.
Protein change: p.Tyr132=; no amino-acid change (tyrosine 132 retained).
Molecular consequence: synonymous variant.
Genome position (GRCh38, 1-based): chr11:66,025,984, G>A on the plus strand (C>T on the coding strand, the complement: CATSPER1 is on the minus strand). VCF-style: chr11-66025984-G-A. GRCh37 (hg19) VCF-style: chr11-65793455-G-A.
Identifiers: ClinVar variation 2641979 (VCV002641979.24), dbSNP rs17846029, ClinGen allele CA6114935.